The following is an entry in ClinVar:

NM_001211.6(BUB1B):c.2566C>T (p.His856Tyr)

Gene: BUB1B (BUB1 mitotic checkpoint serine/threonine kinase B; plus strand). Cytogenetic location: 15q15.1.
Variant type: single nucleotide variant.
Coding change: c.2566C>T on transcript NM_001211.6 (MANE Select); coding-DNA position 2566, C replaced by T.
Protein change: p.His856Tyr; replaces histidine 856 with tyrosine.
Molecular consequence: missense variant.
Genome position (GRCh38, 1-based): chr15:40,213,362, C>T. VCF-style: chr15-40213362-C-T. GRCh37 (hg19) VCF-style: chr15-40505563-C-T.
Other names: short protein forms H856Y.
Identifiers: ClinVar variation 4707942 (VCV004707942.1).

ClinVar aggregate classification (germline): Uncertain significance (1 of 4 stars; one submission).

Conditions:
Mosaic variegated aneuploidy syndrome 1 (MVA1). Also called: Warburton-Anyane-Yeboa syndrome. Identifiers: Orphanet 1052, MedGen C1850343, MONDO:0009759, OMIM 257300.

gnomAD v4.1: 3 of 1,613,760 alleles (0.00019%); highest among the groups gnomAD compares: Non-Finnish European, 0.00025%; no homozygotes.

Submission:

Labcorp Genetics (formerly Invitae), Labcorp
Classification: Uncertain significance for Mosaic variegated aneuploidy syndrome 1. Last evaluated: 2025-05-04. Review status: criteria provided, single submitter. Criteria: Invitae Variant Classification Sherloc (09022015). Collection method: clinical testing. Allele origin: germline.
Comment: This sequence change replaces histidine, which is basic and polar, with tyrosine, which is neutral and polar, at codon 856 of the BUB1B protein (p.His856Tyr). This variant is not present in population databases (gnomAD no frequency). This variant has not been reported in the literature in individuals affected with BUB1B-related conditions. An algorithm developed to predict the effect of missense changes on protein structure and function (PolyPhen-2) suggests that this variant is likely to be disruptive. In summary, the available evidence is currently insufficient to determine the role of this variant in disease. Therefore, it has been classified as a Variant of Uncertain Significance.